The following is an entry in ClinVar:

NM_017799.4(TMEM260):c.408A>T (p.Thr136=)

Gene: TMEM260 (transmembrane protein 260; plus strand). Cytogenetic location: 14q22.3.
Variant type: single nucleotide variant.
Coding change: c.408A>T on transcript NM_017799.4 (MANE Select); coding-DNA position 408, A replaced by T.
Protein change: p.Thr136=; no amino-acid change (threonine 136 retained).
Molecular consequence: synonymous variant.
Genome position (GRCh38, 1-based): chr14:56,603,878, A>T. VCF-style: chr14-56603878-A-T. GRCh37 (hg19) VCF-style: chr14-57070596-A-T.
Identifiers: ClinVar variation 735634 (VCV000735634.5), dbSNP rs146654998, ClinGen allele CA7199732.

ClinVar aggregate classification (germline): Likely benign. Review status: criteria provided, single submitter (1 of 4 stars). 2 submissions from 2 submitters: Likely benign (1). 1 of the submissions does not count toward it. Last evaluated 2018-12-05.

Conditions:
TMEM260-related disorder. Also called: TMEM260-related condition.

Allele frequency attached by ClinVar (database versions not stated): 1000 Genomes Project 0.00020; 1000 Genomes Project 30x 0.00031; TOPMed 0.00041; ESP Exome Variant Server 0.00046.
gnomAD v4.1: 102 of 1,613,966 alleles (0.0063%); highest among the groups gnomAD compares: African/African-American, 0.11%; no homozygotes.

Submissions (2):

Labcorp Genetics (formerly Invitae), Labcorp
Classification: Likely benign. Last evaluated: 2018-12-05. Review status: criteria provided, single submitter. Criteria: Invitae Variant Classification Sherloc (09022015). Collection method: clinical testing. Allele origin: germline.

PreventionGenetics, part of Exact Sciences
Classification: Likely benign for TMEM260-related condition. Last evaluated: 2019-08-22. Review status: no assertion criteria provided. Collection method: clinical testing. Allele origin: germline. Not counted in ClinVar's aggregate classification.
Comment: This variant is classified as likely benign based on ACMG/AMP sequence variant interpretation guidelines (Richards et al. 2015 PMID: 25741868, with internal and published modifications).